The following is an entry in ClinVar:

NM_001127222.2(CACNA1A):c.1744C>T (p.Arg582Ter)

Gene: CACNA1A (calcium voltage-gated channel subunit alpha1 A; minus strand). Cytogenetic location: 19p13.13.
Variant type: single nucleotide variant.
Coding change: c.1744C>T on transcript NM_001127222.2 (MANE Select); coding-DNA position 1744, C replaced by T.
Protein change: p.Arg582Ter; replaces arginine 582 with a stop codon.
Molecular consequence: nonsense.
Genome position (GRCh38, 1-based): chr19:13,308,453, G>A on the plus strand (C>T on the coding strand, the complement: CACNA1A is on the minus strand). VCF-style: chr19-13308453-G-A. GRCh37 (hg19) VCF-style: chr19-13419267-G-A.
Other names: c.1747C>T (NM_000068.2); c.1747C>T, p.Arg583Ter (NM_000068.4, NM_001127221.2, NM_001174080.2 and 1 more transcripts); short protein forms R583*, R582*.
Identifiers: ClinVar variation 848756 (VCV000848756.19), dbSNP rs2057953268, ClinGen allele CA404345093.

ClinVar aggregate classification (germline): Pathogenic. Review status: criteria provided, multiple submitters, no conflicts (2 of 4 stars). 6 submissions from 6 submitters: Pathogenic (5). 1 of the submissions does not count toward it. Last evaluated 2025-10-02.

Conditions:
CACNA1A-related disorder. Also called: CACNA1A-related condition.
Episodic ataxia type 2 (EA2). Also called: ATAXIA, EPISODIC, WITH NYSTAGMUS; ATAXIA, FAMILIAL PAROXYSMAL; CEREBELLAR ATAXIA, PAROXYSMAL, ACETAZOLAMIDE-RESPONSIVE; CEREBELLOPATHY, HEREDITARY PAROXYSMAL; EPISODIC ATAXIA, NYSTAGMUS-ASSOCIATED; ACETAZOLAMIDE-RESPONSIVE HEREDITARY PAROXYSMAL CEREBELLAR ATAXIA. Identifiers: Orphanet 97, MedGen C1720416, MONDO:0007163, OMIM 108500.
Developmental and epileptic encephalopathy, 42 (DEE42A). Also called: Epileptic encephalopathy, early infantile, 42; DEVELOPMENTAL AND EPILEPTIC ENCEPHALOPATHY 42A; EPILEPTIC ENCEPHALOPATHY, EARLY INFANTILE, 42A. Identifiers: MedGen C4310716, MONDO:0014917, OMIM 617106.
Migraine, familial hemiplegic, 1. Also called: MIGRAINE, FAMILIAL HEMIPLEGIC 1, WITH PROGRESSIVE CEREBELLAR ATAXIA. Identifiers: Orphanet 569, MedGen C1832884, MONDO:0020756, OMIM 141500, MONDO:0007714.
Spinocerebellar ataxia type 6 (SCA6). Identifiers: Orphanet 98758, MedGen C0752124, MONDO:0008457, OMIM 183086.

Submissions (6):

GeneDx
Classification: Pathogenic. Last evaluated: 2025-10-02. Review status: criteria provided, single submitter. Criteria: GeneDx Variant Classification Process June 2021. Collection method: clinical testing. Allele origin: germline. Affected: yes.
Comment: Nonsense variant predicted to result in protein truncation or nonsense mediated decay in a gene for which loss of function is a known mechanism of disease; Not observed in large population cohorts (gnomAD); This variant is associated with the following publications: (PMID: 25525159, 27250579, 25735478, 10371528, 34102571, 36805178, 27535533, 19486177)

Labcorp Genetics (formerly Invitae), Labcorp
Classification: Pathogenic for Developmental and epileptic encephalopathy, 42; Episodic ataxia type 2. Last evaluated: 2024-10-23. Review status: criteria provided, single submitter. Criteria: Invitae Variant Classification Sherloc (09022015). Collection method: clinical testing. Allele origin: germline.
Comment: This sequence change creates a premature translational stop signal (p.Arg583*) in the CACNA1A gene. It is expected to result in an absent or disrupted protein product. Loss-of-function variants in CACNA1A are known to be pathogenic (PMID: 10371528, 19486177, 25735478, 27250579). This variant is not present in population databases (gnomAD no frequency). This premature translational stop signal has been observed in individual(s) with clinical features of episodic ataxia (PMID: 19486177). ClinVar contains an entry for this variant (Variation ID: 848756). Algorithms developed to predict the effect of sequence changes on RNA splicing suggest that this variant may disrupt the consensus splice site. For these reasons, this variant has been classified as Pathogenic.

Athena Diagnostics
Classification: Pathogenic. Last evaluated: 2024-05-14. Review status: criteria provided, single submitter. Criteria: Athena Diagnostics Criteria. Collection method: clinical testing. Allele origin: unknown.
Comment: This variant is expected to result in the loss of a functional protein. This variant has not been reported in large, multi-ethnic general populations. This variant has been identified in at least one individual with clinical features associated with this gene.

Blueprint Genetics
Classification: Pathogenic for CACNA1A-related disorders. Last evaluated: 2022-04-13. Review status: criteria provided, single submitter. Criteria: ACMG Guidelines, 2015. Collection method: clinical testing. Allele origin: germline. Affected: yes. Observed: 1 variant allele.

Juno Genomics, Hangzhou Juno Genomics, Inc
Classification: Pathogenic for Developmental and epileptic encephalopathy, 42; Episodic ataxia type 2; Migraine, familial hemiplegic, 1; Spinocerebellar ataxia type 6. Review status: criteria provided, single submitter. Criteria: ACMG Guidelines, 2015. Collection method: clinical testing. Allele origin: germline.
Comment: Absent from controls (or at extremely low frequency if recessive) in Genome Aggregation Database.;Null variant in a gene where loss of function (LOF) is a known mechanism of disease.;The prevalence of the variant in affected individuals is significantly increased compared to the prevalence in controls.

Molecular Genetics Laboratory, BC Children's and BC Women's Hospitals
Classification: Pathogenic for Developmental and epileptic encephalopathy, 42. Last evaluated: 2026-04-13. Review status: no assertion criteria provided. Criteria: ACMG Guidelines, 2015. Collection method: clinical testing. Allele origin: de novo. Affected: yes. Not counted in ClinVar's aggregate classification.

Literature cited by the submitters: PubMed 10371528 (cited by Labcorp Genetics (formerly Invitae), Labcorp); PubMed 19486177 (cited by Labcorp Genetics (formerly Invitae), Labcorp and Athena Diagnostics); PubMed 25735478 (cited by Labcorp Genetics (formerly Invitae), Labcorp); PubMed 27250579 (cited by Labcorp Genetics (formerly Invitae), Labcorp); PubMed 36805178 (cited by Athena Diagnostics); PubMed 34102571 (cited by Athena Diagnostics).